The following is an entry in ClinVar:

ClinVar aggregate classification (germline): Uncertain significance (1 of 4 stars; one submission).

Submission:

Dasa
Classification: Uncertain significance. Last evaluated: 2025-05-28. Review status: criteria provided, single submitter. Criteria: DASA Assertion Criteria. Collection method: clinical testing. Allele origin: germline.
Comment: NM_005215.4(DCC):c.2896A>G (p.Ser966Gly) is a missense variant that results in the substitution of serine with glycine. This variant is absent from population databases. Computational prediction algorithms are consistent with a benign effect. The currently available literature and clinical evidence are not sufficient to establish a definitive association between this variant and the reported condition. Therefore, this variant is classified as a variant of uncertain significance.

NM_005215.4(DCC):c.2896A>G (p.Ser966Gly)

Gene: DCC (DCC netrin 1 receptor; plus strand). Cytogenetic location: 18q21.2.
Variant type: single nucleotide variant.
Coding change: c.2896A>G on transcript NM_005215.4 (MANE Select); coding-DNA position 2896, A replaced by G.
Protein change: p.Ser966Gly; replaces serine 966 with glycine.
Molecular consequence: missense variant.
Genome position (GRCh38, 1-based): chr18:53,402,854, A>G. VCF-style: chr18-53402854-A-G. GRCh37 (hg19) VCF-style: chr18-50929224-A-G.
Other names: short protein forms S966G.
Identifiers: ClinVar variation 4883537 (VCV004883537.2).